The following is an entry in ClinVar:

NM_002693.3(POLG):c.1810G>A (p.Ala604Thr)

Gene: POLG (DNA polymerase gamma, catalytic subunit; minus strand). Cytogenetic location: 15q26.1.
Variant type: single nucleotide variant.
Coding change: c.1810G>A on transcript NM_002693.3 (MANE Select); coding-DNA position 1810, G replaced by A.
Protein change: p.Ala604Thr; replaces alanine 604 with threonine.
Molecular consequence: missense variant.
Genome position (GRCh38, 1-based): chr15:89,325,589, C>T on the plus strand (G>A on the coding strand, the complement: POLG is on the minus strand). VCF-style: chr15-89325589-C-T. GRCh37 (hg19) VCF-style: chr15-89868820-C-T.
Other names: c.1810G>A, p.Ala604Thr (NM_001126131.2); short protein forms A604T.
Identifiers: ClinVar variation 2503253 (VCV002503253.4), dbSNP rs2055505286, ClinGen allele CA393759320.

ClinVar aggregate classification (germline): Uncertain significance. Review status: criteria provided, multiple submitters, no conflicts (2 of 4 stars). 2 submissions from 2 submitters: Uncertain significance (2). Last evaluated 2023-06-23.

Conditions:
Progressive sclerosing poliodystrophy (MTDPS4A). Also called: NEURONAL DEGENERATION OF CHILDHOOD WITH LIVER DISEASE, PROGRESSIVE; ALPERS PROGRESSIVE INFANTILE POLIODYSTROPHY; Alpers-Huttenlocher Syndrome; Alpers Syndrome; ALPERS DIFFUSE DEGENERATION OF CEREBRAL GRAY MATTER WITH HEPATIC CIRRHOSIS; Mitochondrial DNA depletion syndrome 4A (Alpers type). Identifiers: Orphanet 726, MedGen C0205710, MONDO:0008758, OMIM 203700.

Allele frequency attached by ClinVar (database versions not stated): gnomAD exomes below 0.00001; TOPMed below 0.00001.

Submissions (2):

Labcorp Genetics (formerly Invitae), Labcorp
Classification: Uncertain significance for Progressive sclerosing poliodystrophy. Last evaluated: 2023-06-23. Review status: criteria provided, single submitter. Criteria: Invitae Variant Classification Sherloc (09022015). Collection method: clinical testing. Allele origin: germline.
Comment: This sequence change replaces alanine, which is neutral and non-polar, with threonine, which is neutral and polar, at codon 604 of the POLG protein (p.Ala604Thr). This variant has not been reported in the literature in individuals affected with POLG-related conditions. This variant is not present in population databases (gnomAD no frequency). In summary, the available evidence is currently insufficient to determine the role of this variant in disease. Therefore, it has been classified as a Variant of Uncertain Significance. Advanced modeling of protein sequence and biophysical properties (such as structural, functional, and spatial information, amino acid conservation, physicochemical variation, residue mobility, and thermodynamic stability) performed at Invitae indicates that this missense variant is not expected to disrupt POLG protein function. ClinVar contains an entry for this variant (Variation ID: 2503253).

GeneDx
Classification: Uncertain significance. Last evaluated: 2023-03-10. Review status: criteria provided, single submitter. Criteria: GeneDx Variant Classification Process June 2021. Collection method: clinical testing. Allele origin: germline. Affected: yes.
Comment: Not observed at significant frequency in large population cohorts (gnomAD); In silico analysis supports that this missense variant does not alter protein structure/function; Has not been previously published as pathogenic or benign to our knowledge